The following is an entry in ClinVar:

ClinVar aggregate classification (germline): Likely benign. Review status: criteria provided, multiple submitters, no conflicts (2 of 4 stars). 2 submissions from 2 submitters: Likely benign (2). Last evaluated 2026-04-01.

Conditions:
Seizures, benign familial infantile, 3 (BFIS3). Also called: CONVULSIONS, BENIGN FAMILIAL INFANTILE, 3; Familial neonatal seizures. Identifiers: Orphanet 140927, Orphanet 306, MedGen C1843140, MONDO:0011904, OMIM 607745.
Developmental and epileptic encephalopathy, 11 (DEE11). Also called: Early infantile epileptic encephalopathy 11. Identifiers: Orphanet 1934, MedGen C3150987, MONDO:0013388, OMIM 613721.

gnomAD v4.1: 1 of 1,614,156 alleles (0.000062%); highest among the groups gnomAD compares: Non-Finnish European, 0.000085%; no homozygotes.

Submissions (2):

CeGaT Center for Human Genetics Tuebingen
Classification: Likely benign. Last evaluated: 2026-04-01. Review status: criteria provided, single submitter. Criteria: CeGaT Center For Human Genetics Tuebingen Variant Classification Criteria Version 2. Collection method: clinical testing. Allele origin: germline. Affected: yes. Observed: 1 variant allele.
Comment: SCN2A: BP4

Labcorp Genetics (formerly Invitae), Labcorp
Classification: Likely benign for Seizures, benign familial infantile, 3; Developmental and epileptic encephalopathy, 11. Last evaluated: 2024-07-23. Review status: criteria provided, single submitter. Criteria: Invitae Variant Classification Sherloc (09022015). Collection method: clinical testing. Allele origin: germline.

NM_001040142.2(SCN2A):c.3618G>A (p.Glu1206=)

Gene: SCN2A (sodium voltage-gated channel alpha subunit 2; plus strand). Cytogenetic location: 2q24.3.
Variant type: single nucleotide variant.
Coding change: c.3618G>A on transcript NM_001040142.2 (MANE Select); coding-DNA position 3618, G replaced by A.
Protein change: p.Glu1206=; no amino-acid change (glutamic acid 1206 retained).
Molecular consequence: synonymous variant.
Genome position (GRCh38, 1-based): chr2:165,367,314, G>A. VCF-style: chr2-165367314-G-A. GRCh37 (hg19) VCF-style: chr2-166223824-G-A.
Other names: c.3618G>A, p.Glu1206= (NM_001040143.2, NM_001371246.1, NM_001371247.1 and 1 more transcripts).
Identifiers: ClinVar variation 3750104 (VCV003750104.4).